The following is an entry in ClinVar:

ClinVar aggregate classification (germline): Likely pathogenic (1 of 4 stars; one submission).

Conditions:
Bardet-Biedl syndrome (BBS). Identifiers: Orphanet 110, MedGen C0752166, MONDO:0015229.

Allele frequency attached by ClinVar (database versions not stated): gnomAD exomes below 0.00001.

Submission:

Labcorp Genetics (formerly Invitae), Labcorp
Classification: Likely pathogenic for Bardet-Biedl syndrome. Last evaluated: 2022-11-29. Review status: criteria provided, single submitter. Criteria: Invitae Variant Classification Sherloc (09022015). Collection method: clinical testing. Allele origin: germline.
Comment: In summary, the currently available evidence indicates that the variant is pathogenic, but additional data are needed to prove that conclusively. Therefore, this variant has been classified as Likely Pathogenic. Variants that disrupt the consensus splice site are a relatively common cause of aberrant splicing (PMID: 17576681, 9536098). Algorithms developed to predict the effect of sequence changes on RNA splicing suggest that this variant may disrupt the consensus splice site. Algorithms developed to predict the effect of missense changes on protein structure and function are either unavailable or do not agree on the potential impact of this missense change (SIFT: "Deleterious"; PolyPhen-2: "Probably Damaging"; Align-GVGD: "Class C0"). This missense change has been observed in individual(s) with clinical features of Bardet-Biedl syndrome (Invitae). This variant is present in population databases (no rsID available, gnomAD 0.003%). This sequence change replaces arginine, which is basic and polar, with lysine, which is basic and polar, at codon 66 of the BBS10 protein (p.Arg66Lys). This variant also falls at the last nucleotide of exon 1, which is part of the consensus splice site for this exon.

Literature cited by the submitters: PubMed 17576681; PubMed 9536098.

NM_024685.4(BBS10):c.197G>A (p.Arg66Lys)

Gene: BBS10 (Bardet-Biedl syndrome 10; minus strand). Cytogenetic location: 12q21.2.
Variant type: single nucleotide variant.
Coding change: c.197G>A on transcript NM_024685.4 (MANE Select); coding-DNA position 197, G replaced by A.
Protein change: p.Arg66Lys; replaces arginine 66 with lysine.
Molecular consequence: missense variant.
Genome position (GRCh38, 1-based): chr12:76,348,162, C>T on the plus strand (G>A on the coding strand, the complement: BBS10 is on the minus strand). VCF-style: chr12-76348162-C-T. GRCh37 (hg19) VCF-style: chr12-76741942-C-T.
Other names: short protein forms R66K.
Identifiers: ClinVar variation 2803002 (VCV002803002.3), dbSNP rs1291192594, ClinGen allele CA385816048.